The following is an entry in ClinVar:

ClinVar aggregate classification (germline): Uncertain significance (1 of 4 stars; one submission).

Submission:

GeneDx
Classification: Uncertain significance. Last evaluated: 2026-02-12. Review status: criteria provided, single submitter. Criteria: GeneDx Variant Classification Process June 2021. Collection method: clinical testing. Allele origin: germline.
Comment: In-frame deletion of 8 amino acid(s) in a non-repeat region; Not observed at significant frequency in large population cohorts (gnomAD); In silico analysis suggests that this variant does not alter protein structure/function; Has not been previously published as pathogenic or benign to our knowledge

NM_014712.3(SETD1A):c.4177_4200del (p.Ser1393_Arg1400del)

Gene: SETD1A (SET domain containing 1A, histone lysine methyltransferase; plus strand). Cytogenetic location: 16p11.2.
Variant type: Deletion.
Coding change: c.4177_4200del on transcript NM_014712.3 (MANE Select); coding-DNA positions 4177 to 4200, 24 bases deleted (AGCCTCCGCTCCCACGCCCGGCGC).
Protein change: p.Ser1393_Arg1400del.
Genome position (GRCh38, 1-based): chr16:30,979,963-30,979,986, AGCCTCCGCTCCCACGCCCGGCGC deleted; deleting any 24 consecutive bases within chr16:30,979,958-30,979,986 gives the same sequence; the c. name uses the placement nearest the transcript's 3' end. VCF-style (leftmost placement, unchanged base first): chr16-30979957-AGGCGCAGCCTCCGCTCCCACGCCC-A. GRCh37 (hg19) VCF-style: chr16-30991278-AGGCGCAGCCTCCGCTCCCACGCCC-A.
Identifiers: ClinVar variation 4527223 (VCV004527223.2).